The following is an entry in ClinVar:

ClinVar aggregate classification (germline): Uncertain significance (1 of 4 stars; one submission).

Conditions:
Immunodeficiency 104. Also called: SCID, AUTOSOMAL RECESSIVE, T CELL-NEGATIVE, B CELL-POSITIVE, NK CELL-POSITIVE; Severe Combined Immune Deficiency, Autosomal Recessive, TCell -Negative, B Cell-Positive, NK Cell-Positive, IL7R-Related; Severe combined immunodeficiency, autosomal recessive, T cell-negative, B cell-positive, NK cell-positive; IMMUNODEFICIENCY 104, SEVERE COMBINED. Identifiers: MedGen C5676890, MONDO:0012163, OMIM 608971.

Allele frequency attached by ClinVar (database versions not stated): gnomAD exomes below 0.00001 and 0.00001.
gnomAD v4.1: 1 of 1,612,082 alleles (0.000062%); highest among the groups gnomAD compares: Admixed American, 0.0017%; no homozygotes.

Submission:

Labcorp Genetics (formerly Invitae), Labcorp
Classification: Uncertain significance for Immunodeficiency 104. Last evaluated: 2020-07-30. Review status: criteria provided, single submitter. Criteria: Invitae Variant Classification Sherloc (09022015). Collection method: clinical testing. Allele origin: germline.
Comment: This sequence change replaces leucine with serine at codon 263 of the IL7R protein (p.Leu263Ser). The leucine residue is highly conserved and there is a large physicochemical difference between leucine and serine. This variant is not present in population databases (ExAC no frequency). This variant has not been reported in the literature in individuals with IL7R-related conditions. Advanced modeling of protein sequence and biophysical properties (such as structural, functional, and spatial information, amino acid conservation, physicochemical variation, residue mobility, and thermodynamic stability) performed at Invitae indicates that this missense variant is expected to disrupt IL7R protein function. In summary, the available evidence is currently insufficient to determine the role of this variant in disease. Therefore, it has been classified as a Variant of Uncertain Significance.

NM_002185.5(IL7R):c.788T>C (p.Leu263Ser)

Gene: IL7R (interleukin 7 receptor; plus strand). Cytogenetic location: 5p13.2.
Variant type: single nucleotide variant.
Coding change: c.788T>C on transcript NM_002185.5 (MANE Select); coding-DNA position 788, T replaced by C.
Protein change: p.Leu263Ser; replaces leucine 263 with serine.
Molecular consequence: missense variant.
Genome position (GRCh38, 1-based): chr5:35,874,530, T>C. VCF-style: chr5-35874530-T-C. GRCh37 (hg19) VCF-style: chr5-35874632-T-C.
Other names: short protein forms L263S.
Identifiers: ClinVar variation 1018031 (VCV001018031.9), dbSNP rs1369125529, ClinGen allele CA359431801.